The following is an entry in ClinVar:

ClinVar aggregate classification (germline): Uncertain significance. Review status: criteria provided, multiple submitters, no conflicts (2 of 4 stars). 2 submissions from 2 submitters: Uncertain significance (2). Last evaluated 2022-10-13.

Allele frequency attached by ClinVar (database versions not stated): gnomAD exomes 0.00001 and 0.00002; ExAC 0.00002; gnomAD 0.00002; TOPMed 0.00002.

Submissions (2):

Labcorp Genetics (formerly Invitae), Labcorp
Classification: Uncertain significance. Last evaluated: 2022-10-13. Review status: criteria provided, single submitter. Criteria: Invitae Variant Classification Sherloc (09022015). Collection method: clinical testing. Allele origin: germline.
Comment: This sequence change replaces arginine, which is basic and polar, with cysteine, which is neutral and slightly polar, at codon 468 of the CAD protein (p.Arg468Cys). This variant is present in population databases (rs779056625, gnomAD 0.01%). This variant has not been reported in the literature in individuals affected with CAD-related conditions. ClinVar contains an entry for this variant (Variation ID: 450859). Advanced modeling of protein sequence and biophysical properties (such as structural, functional, and spatial information, amino acid conservation, physicochemical variation, residue mobility, and thermodynamic stability) performed at Invitae indicates that this missense variant is not expected to disrupt CAD protein function. In summary, the available evidence is currently insufficient to determine the role of this variant in disease. Therefore, it has been classified as a Variant of Uncertain Significance.

GeneDx
Classification: Uncertain significance. Last evaluated: 2017-07-25. Review status: criteria provided, single submitter. Criteria: GeneDx Variant Classification (06012015). Collection method: clinical testing. Allele origin: germline. Affected: yes.
Comment: The R468C variant in the CAD gene has not been reported previously as a pathogenic variant, nor as a benign variant, to our knowledge. The R468C variant is not observed at a significant frequency in large population cohorts (Lek et al., 2016; 1000 Genomes Consortium et al., 2015; Exome Variant Server). The R468C variant is a non-conservative amino acid substitution, which is likely to impact secondary protein structure as these residues differ in polarity, charge, size and/or other properties. This substitution occurs at a position that is conserved across species. In silico analysis predicts this variant is probably damaging to the protein structure/function. We interpret R468C as a variant of uncertain significance.

NM_004341.5(CAD):c.1402C>T (p.Arg468Cys)

Gene: CAD (carbamoyl-phosphate synthetase 2, aspartate transcarbamylase, and dihydroorotase; plus strand). Cytogenetic location: 2p23.3.
Variant type: single nucleotide variant.
Coding change: c.1402C>T on transcript NM_004341.5 (MANE Select); coding-DNA position 1402, C replaced by T.
Protein change: p.Arg468Cys; replaces arginine 468 with cysteine.
Molecular consequence: missense variant.
Genome position (GRCh38, 1-based): chr2:27,225,025, C>T. VCF-style: chr2-27225025-C-T. GRCh37 (hg19) VCF-style: chr2-27447893-C-T.
Other names: c.1402C>T, p.Arg468Cys (NM_001306079.2); short protein forms R468C.
Identifiers: ClinVar variation 450859 (VCV000450859.4), dbSNP rs779056625, ClinGen allele CA1572717.